The following is an entry in ClinVar:

ClinVar aggregate classification (germline): Uncertain significance (1 of 4 stars; one submission).

Conditions:
Ciliary dyskinesia, primary, 52 (CILD52). Also called: CILIARY DYSKINESIA, PRIMARY, 52, WITH OR WITHOUT SITUS INVERSUS. Identifiers: MedGen C5882714, MONDO:0957922, OMIM 620570.

gnomAD v4.1: 2 of 1,612,342 alleles (0.00012%); highest among the groups gnomAD compares: Middle Eastern, 0.017%; no homozygotes.

Submission:

Department of Molecular Genetics, Istishari Arab Hospital
Classification: Uncertain significance for Ciliary dyskinesia, primary, 52. Last evaluated: 2026-02-22. Review status: criteria provided, single submitter. Criteria: ACMG Guidelines, 2015. Collection method: clinical testing. Allele origin: germline. Inheritance: Autosomal recessive inheritance. Affected: yes.
Comment: The DAW1 variant c.823C>G, p.Leu275Val creates an amino acid change from Leu to Val at position 275 in exon 9 (out of 13 exons). The variant is observed with very low frequency in the gnomAD v4.1.0 dataset (<0.001), and to the best of our knowledge, it was not previously reported in the literature. It is classified as a variant of uncertain significance according to the recommendations of ACMG/AMP/ClinGen SVI guidelines.

NM_178821.3(DAW1):c.823C>G (p.Leu275Val)

Gene: DAW1 (dynein assembly factor with WD repeats 1; plus strand). Cytogenetic location: 2q36.3.
Variant type: single nucleotide variant.
Coding change: c.823C>G on transcript NM_178821.3 (MANE Select); coding-DNA position 823, C replaced by G.
Protein change: p.Leu275Val; replaces leucine 275 with valine.
Molecular consequence: missense variant. On other transcripts: non-coding transcript variant (1).
Genome position (GRCh38, 1-based): chr2:227,906,303, C>G. VCF-style: chr2-227906303-C-G. GRCh37 (hg19) VCF-style: chr2-228771019-C-G.
Other names: p.Leu275Val; c.778C>G, p.Leu260Val (NM_001330004.2); short protein forms L260V, L275V.
Identifiers: ClinVar variation 4796677 (VCV004796677.1).